The following is an entry in ClinVar:

NM_003001.5(SDHC):c.250C>G (p.Leu84Val)

Gene: SDHC (succinate dehydrogenase complex subunit C; plus strand). Cytogenetic location: 1q23.3.
Variant type: single nucleotide variant.
Coding change: c.250C>G on transcript NM_003001.5 (MANE Select); coding-DNA position 250, C replaced by G.
Protein change: p.Leu84Val; replaces leucine 84 with valine.
Molecular consequence: missense variant. On other transcripts: non-coding transcript variant (1), intron variant (3).
Genome position (GRCh38, 1-based): chr1:161,356,685, C>G. VCF-style: chr1-161356685-C-G. GRCh37 (hg19) VCF-style: chr1-161326475-C-G.
Other names: c.148C>G, p.Leu50Val (NM_001035512.3); c.91C>G, p.Leu31Val (NM_001035513.3); c.370C>G, p.Leu124Val (NM_001407115.1); c.193C>G, p.Leu65Val (NM_001407116.1); c.187C>G, p.Leu63Val (NM_001407117.1); c.142C>G, p.Leu48Val (NM_001407118.1); c.139C>G, p.Leu47Val (NM_001407119.1, NM_001407120.1); c.242-5644C>G (NM_001035511.3); and 2 more; short protein forms L31V, L84V, L50V, L65V, L124V, L48V, L47V, L63V.
Identifiers: ClinVar variation 659057 (VCV000659057.8), dbSNP rs942160050, ClinGen allele CA343456233.

ClinVar aggregate classification (germline): Uncertain significance. Review status: criteria provided, multiple submitters, no conflicts (2 of 4 stars). 2 submissions from 2 submitters: Uncertain significance (2). Last evaluated 2025-07-12.

Conditions:
Pheochromocytoma/paraganglioma syndrome 3. Also called: SDHC-Related Hereditary Paraganglioma-Pheochromocytoma Syndrome (Paragangliomas 3); SDHC-Related Hereditary Paraganglioma-Pheochromocytoma Syndrome; GLOMUS TUMORS, FAMILIAL, 3; Paragangliomas 3. Identifiers: Orphanet 29072, MedGen C1854336, MONDO:0011544, OMIM 605373.
Gastrointestinal stromal tumor. Also called: Gastrointestinal stromal tumor, somatic; Gastrointestinal stroma tumor. Identifiers: Orphanet 44890, MedGen C0238198, MeSH D046152, MONDO:0011719, OMIM 606764, HP:0100723.
Hereditary cancer-predisposing syndrome. Also called: Neoplastic Syndromes, Hereditary; Tumor predisposition; Hereditary Cancer Syndrome; Hereditary neoplastic syndrome. Identifiers: Orphanet 140162, MedGen C0027672, MeSH D009386, MONDO:0015356.

Allele frequency attached by ClinVar (database versions not stated): TOPMed 0.00001.

Submissions (2):

Ambry Genetics
Classification: Uncertain significance for Hereditary cancer-predisposing syndrome. Last evaluated: 2025-07-12. Review status: criteria provided, single submitter. Criteria: Ambry Variant Classification Scheme 2023. Collection method: clinical testing. Allele origin: germline.
Comment: The p.L84V variant (also known as c.250C>G), located in coding exon 5 of the SDHC gene, results from a C to G substitution at nucleotide position 250. The leucine at codon 84 is replaced by valine, an amino acid with highly similar properties. This amino acid position is conserved. In addition, the in silico prediction for this alteration is inconclusive. Based on the available evidence, the clinical significance of this variant remains unclear.

Labcorp Genetics (formerly Invitae), Labcorp
Classification: Uncertain significance for Pheochromocytoma/paraganglioma syndrome 3; Gastrointestinal stromal tumor. Last evaluated: 2025-06-29. Review status: criteria provided, single submitter. Criteria: Invitae Variant Classification Sherloc (09022015). Collection method: clinical testing. Allele origin: germline.
Comment: This sequence change replaces leucine, which is neutral and non-polar, with valine, which is neutral and non-polar, at codon 84 of the SDHC protein (p.Leu84Val). This variant is not present in population databases (gnomAD no frequency). This variant has not been reported in the literature in individuals affected with SDHC-related conditions. ClinVar contains an entry for this variant (Variation ID: 659057). An algorithm developed to predict the effect of missense changes on protein structure and function (PolyPhen-2) suggests that this variant is likely to be tolerated. In summary, the available evidence is currently insufficient to determine the role of this variant in disease. Therefore, it has been classified as a Variant of Uncertain Significance.